The following is an entry in ClinVar:

NM_001283009.2(RTEL1):c.919+2T>C

Genes: RTEL1 (regulator of telomere elongation helicase 1; plus strand), RTEL1-TNFRSF6B (RTEL1-TNFRSF6B readthrough (NMD candidate); plus strand). Cytogenetic location: 20q13.33.
Variant type: single nucleotide variant.
Coding change: c.919+2T>C on transcript NM_001283009.2 (MANE Select); the canonical splice donor site of the intron after coding-DNA position 919, T replaced by C.
Molecular consequence: splice donor variant.
Genome position (GRCh38, 1-based): chr20:63,674,095, T>C. VCF-style: chr20-63674095-T-C. GRCh37 (hg19) VCF-style: chr20-62305448-T-C.
Other names: c.250+2T>C (NM_001283010.1); c.991+2T>C (NM_032957.5); c.919+2T>C (NM_016434.4).
Identifiers: ClinVar variation 2948301 (VCV002948301.3), dbSNP rs2517040332, ClinGen allele CA409673135.
Genomic context (GRCh38, chr20:63,674,095, plus strand): 5'-CAAGGCAGCGCAGCAGGGTGAGCCCCACCCGGAGTTCAGCGCGGACTCCCCCAGCCCAGG[T>C]GCGTTCATAGCCAGACTGCTTGGTCCTGAGGCCTGCGCTGCTGCAGGGTGAGCCCCACCC-3'

ClinVar aggregate classification (germline): Likely pathogenic (1 of 4 stars; one submission).

Conditions:
Pulmonary fibrosis and/or bone marrow failure, Telomere-related, 3. Also called: PULMONARY FIBROSIS AND/OR BONE MARROW FAILURE SYNDROME, TELOMERE-RELATED, 3. Identifiers: Orphanet 2032, MedGen C4225346, MONDO:0014613, OMIM 616373.
Dyskeratosis congenita, autosomal recessive 5 (DKCB5). Identifiers: MedGen C3554656, MONDO:0014076, OMIM 615190.

Submission:

Labcorp Genetics (formerly Invitae), Labcorp
Classification: Likely pathogenic for Dyskeratosis congenita, autosomal recessive 5; Pulmonary fibrosis and/or bone marrow failure, Telomere-related, 3. Last evaluated: 2023-05-27. Review status: criteria provided, single submitter. Criteria: Invitae Variant Classification Sherloc (09022015). Collection method: clinical testing. Allele origin: germline.
Comment: This variant is not present in population databases (gnomAD no frequency). This sequence change affects a donor splice site in intron 10 of the RTEL1 gene. It is expected to disrupt RNA splicing. Variants that disrupt the donor or acceptor splice site typically lead to a loss of protein function (PMID: 16199547), and loss-of-function variants in RTEL1 are known to be pathogenic (PMID: 23453664, 23959892, 25607374). This variant has not been reported in the literature in individuals affected with RTEL1-related conditions. Algorithms developed to predict the effect of sequence changes on RNA splicing suggest that this variant may disrupt the consensus splice site. In summary, the currently available evidence indicates that the variant is pathogenic, but additional data are needed to prove that conclusively. Therefore, this variant has been classified as Likely Pathogenic.

Literature cited by the submitters: PubMed 16199547; PubMed 23453664; PubMed 23959892; PubMed 25607374.